The following is an entry in ClinVar:

NM_183050.4(BCKDHB):c.853C>T (p.Arg285Ter)

Gene: BCKDHB (branched chain keto acid dehydrogenase E1 subunit beta; plus strand). Cytogenetic location: 6q14.1.
Variant type: single nucleotide variant.
Coding change: c.853C>T on transcript NM_183050.4 (MANE Select); coding-DNA position 853, C replaced by T.
Protein change: p.Arg285Ter; replaces arginine 285 with a stop codon.
Molecular consequence: nonsense. On other transcripts: non-coding transcript variant (1).
Genome position (GRCh38, 1-based): chr6:80,203,114, C>T. VCF-style: chr6-80203114-C-T. GRCh37 (hg19) VCF-style: chr6-80912831-C-T.
Other names: c.853C>T, p.Arg285Ter (NM_000056.5); c.643C>T, p.Arg215Ter (NM_001318975.1); c.853C>T (NM_000056.4); short protein forms R285*, R215*.
Identifiers: ClinVar variation 96615 (VCV000096615.48), dbSNP rs398124598, ClinGen allele CA224353.
Genomic context (GRCh38, chr6:80,203,114, plus strand): 5'-GCTAGAACCTTTGTAGTCATTCTCTGCATATTTTTCTCTTTATTTCAGGTTCATGTGATC[C>T]GAGAGGTAGCTTCCATGGCAAAAGAAAAGCTTGGAGTGTCTTGTGAAGTCATTGATCTGA-3'

ClinVar aggregate classification (germline): Pathogenic. Review status: criteria provided, multiple submitters, no conflicts (2 of 4 stars). 11 submissions from 11 submitters: Pathogenic (9). 2 of the submissions do not count toward it. Last evaluated 2025-11-01.

Conditions:
Maple syrup urine disease type 1B (MSUD1B). Also called: MSUD type IB; MSUD type 3 (formerly); MSUD due to deficiency of e1-beta subunit of branched-chain alpha-keto acid dehydrogenase complex. Identifiers: MedGen C2930990, MONDO:0023692, OMIM 620698.
Maple syrup urine disease (MSUD). Identifiers: Orphanet 511, MedGen C0024776, MeSH D008375, MONDO:0009563. Disease mechanism: loss of function.

Allele frequency attached by ClinVar (database versions not stated): ExAC 0.00001; gnomAD exomes 0.00001 and 0.00004; TOPMed 0.00007; gnomAD 0.00014 and 0.00015.
gnomAD v4.1: 42 of 1,611,030 alleles (0.0026%); highest among the groups gnomAD compares: Admixed American, 0.04%; no homozygotes.

Submissions (11):

Dasa
Classification: Pathogenic. Last evaluated: 2025-11-01. Review status: criteria provided, single submitter. Criteria: DASA Assertion Criteria. Collection method: clinical testing. Allele origin: germline.
Comment: NM_183050.4(BCKDHB):c.853C>T (p.Arg285*) introduces a premature termination codon predicted to result in loss of normal protein function. Loss-of-function is an established mechanism of disease for this gene. This variant has been observed in affected individuals with related phenotype in a genotype context consistent with recessive disease (PMID: 25333063; PMID: 14517957; PMID: 28417071; PMID: 34556729; PMID: 22593002). This variant has been recurrently observed in individuals with related phenotype (PMID: 25333063; PMID: 14517957; PMID: 28417071; PMID: 34556729; PMID: 22593002). The variant is present at low frequency in population datasets. Based on the available data, this variant is classified as pathogenic.

3billion
Classification: Pathogenic for Maple syrup urine disease type 1B. Last evaluated: 2025-10-24. Review status: criteria provided, single submitter. Criteria: ACMG Guidelines, 2015. Collection method: clinical testing. Allele origin: germline. Affected: yes.
Comment: The variant is observed at an extremely low frequency in the gnomAD v4.1.0 dataset (total allele frequency: 0.003%). Predicted Consequence/Location: Stop-gained (nonsense): predicted to result in a loss or disruption of normal protein function through nonsense-mediated decay (NMD) or protein truncation. Multiple pathogenic variants are reported downstream of the variant. The variant has been reported at least twice as pathogenic with clinical assertions and evidence for the classification (ClinVar ID: VCV000096615 /PMID: 14517957 /3billion dataset). Therefore, this variant is classified as Pathogenic according to the recommendation of ACMG/AMP guideline.

Labcorp Genetics (formerly Invitae), Labcorp
Classification: Pathogenic for Maple syrup urine disease. Last evaluated: 2025-09-08. Review status: criteria provided, single submitter. Criteria: Invitae Variant Classification Sherloc (09022015). Collection method: clinical testing. Allele origin: germline.
Comment: This sequence change creates a premature translational stop signal (p.Arg285*) in the BCKDHB gene. It is expected to result in an absent or disrupted protein product. Loss-of-function variants in BCKDHB are known to be pathogenic (PMID: 16786533, 22593002). This variant is present in population databases (rs398124598, gnomAD 0.03%). This premature translational stop signal has been observed in individuals with maple syrup urine disease (PMID: 14517957, 24772966, 25333063). ClinVar contains an entry for this variant (Variation ID: 96615). For these reasons, this variant has been classified as Pathogenic.

Natera, Inc.
Classification: Pathogenic for Maple syrup urine disease type 1B. Last evaluated: 2025-08-25. Review status: criteria provided, single submitter. Criteria: Natera Variant Classification Schema (03/2026). Collection method: clinical testing. Allele origin: germline.
Comment: The c.853C>T variant in BCKDHB is a nonsense variant predicted to introduce a stop codon at amino acid 285. This variant is expected to result in nonsense mediated decay, truncation, or a dysfunctional protein product. This variant is rare in the general population with a frequency below the threshold expected for the associated phenotype(s). This variant has been observed in one or more individuals affected with the associated recessive disease, as either homozygous or compound heterozygous with a second variant (PMID: 19480318). Given the available evidence, this variant is classified as Pathogenic.

Genome-Nilou Lab
Classification: Pathogenic for Maple syrup urine disease type 1A. Last evaluated: 2021-11-07. Review status: criteria provided, single submitter. Criteria: ACMG Guidelines, 2015. Collection method: clinical testing. Allele origin: germline. Affected: no.

Centre for Inherited Metabolic Diseases, Karolinska University Hospital
Classification: Pathogenic for Maple syrup urine disease type 1A. Last evaluated: 2021-04-13. Review status: criteria provided, single submitter. Criteria: ACMG Guidelines, 2015. Collection method: clinical testing. Allele origin: germline. Inheritance: Autosomal recessive inheritance. Affected: yes. Observed: 1 homozygote.

Women's Health and Genetics/Laboratory Corporation of America, LabCorp
Classification: Pathogenic for Maple syrup urine disease type 1B. Last evaluated: 2019-01-21. Review status: criteria provided, single submitter. Criteria: LabCorp Variant Classification Summary - May 2015. Collection method: clinical testing. Allele origin: germline.
Comment: Variant summary: The variant, BCKDHB c.853C>T (p.Arg285X) results in a premature termination codon, predicted to cause a truncation of the encoded protein or absence of the protein due to nonsense mediated decay, which are commonly known mechanisms for disease. The variant allele was found at a frequency of 4.5e-05 in 245582 control chromosomes (gnomAD and publication). This frequency is not significantly higher than expected for a pathogenic variant in BCKDHB causing Maple Syrup Urine Disease Type 1B (4.5e-05 vs 0.0015), allowing no conclusion about variant significance. The variant, c.853C>T has been reported in the literature in multiple individuals affected with Maple Syrup Urine Disease Type 1B (Imtiaz_2017, Bashyam_2012, Quental_2008, Gorzelany_2009, Henneke_2003, Rodriguez-Pombo_2006), which one individual was reported to have <10% normal activity (Rodriguez-Pombo_2006). These data indicate that the variant is very likely to be associated with disease. No clinical diagnostic laboratories have submitted clinical-significance assessments for this variant to ClinVar after 2014. Based on the evidence outlined above, the variant was classified as pathogenic.

Eurofins Ntd Llc (ga)
Classification: Pathogenic. Last evaluated: 2013-08-23. Review status: criteria provided, single submitter. Criteria: EGL Classification Definitions. Collection method: clinical testing. Allele origin: germline. Observed: 1 variant allele, 1 homozygote.

National Newborn Screening Laboratory, Hospital Nacional de Niños
Classification: Pathogenic for Maple syrup urine disease type 1A. Review status: criteria provided, single submitter. Criteria: ACMG Guidelines, 2015. Collection method: clinical testing. Allele origin: maternal, paternal, unknown. Inheritance: Autosomal recessive inheritance. Affected: yes. Observed: 8 compound heterozygotes. Segregation with disease observed.
Comment: This is a null variant in a gene where the loss of function is a known disease mechanism, resulting in a truncated protein by creating a premature stop codon. This variant is present in population databases in low frequency (gnomAD exomes: 0,00004, ExAC: 0,000008). It has been published in the literature associated with individuals with MSUD (PMID:14517957, 16786533, 34556729).

Clinical Laboratory Sciences Program (CLSP), King Saud bin Abdulaziz University for Health Sciences (KSAU-HS)
Classification: Pathogenic for Maple syrup urine disease type 1A. Last evaluated: 2023-04-01. Review status: no assertion criteria provided. Collection method: clinical testing. Allele origin: germline. Affected: yes. Not counted in ClinVar's aggregate classification.

Counsyl
Classification: Likely pathogenic for Maple syrup urine disease. Last evaluated: 2014-08-22. Review status: no assertion criteria provided. Collection method: literature only. Allele origin: unknown. Inheritance: Autosomal recessive inheritance. Not counted in ClinVar's aggregate classification.

Literature cited by the submitters: PubMed 25333063 (cited by Dasa and Labcorp Genetics (formerly Invitae), Labcorp); PubMed 14517957 (cited by 6 submitters); PubMed 28417071 (cited by Dasa and Women's Health and Genetics/Laboratory Corporation of America, LabCorp); PubMed 34556729 (cited by Dasa and National Newborn Screening Laboratory, Hospital Nacional de Niños); PubMed 22593002 (cited by 4 submitters); PubMed 18378174 (cited by Dasa and Women's Health and Genetics/Laboratory Corporation of America, LabCorp); PubMed 16786533 (cited by 4 submitters); PubMed 24772966 (cited by Labcorp Genetics (formerly Invitae), Labcorp and Counsyl); PubMed 19480318 (cited by 3 submitters); PubMed 15884622 (cited by Counsyl).